The following is an entry in ClinVar:

ClinVar aggregate classification (germline): Uncertain significance (1 of 4 stars; one submission).

Conditions:
Glycogen storage disease IXb (GSD9B). Also called: GSD IXb; PHOSPHORYLASE KINASE DEFICIENCY OF LIVER AND MUSCLE, AUTOSOMAL RECESSIVE; GLYCOGENOSIS OF LIVER AND MUSCLE, AUTOSOMAL RECESSIVE. Identifiers: Orphanet 79240, MedGen C0543514, MONDO:0009868, OMIM 261750.

Submission:

Laboratorio de Genetica e Diagnostico Molecular, Hospital Israelita Albert Einstein
Classification: Uncertain significance for Glycogen storage disease IXb. Last evaluated: 2022-10-31. Review status: criteria provided, single submitter. Criteria: ACMG Guidelines, 2015. Collection method: clinical testing. Allele origin: germline. Affected: yes. Observed: 1 variant allele.
Comment: ACMG classification criteria: PM2 moderated

NM_000293.3(PHKB):c.2427+1001A>G

Gene: PHKB (phosphorylase kinase regulatory subunit beta; plus strand). Cytogenetic location: 16q12.1.
Variant type: single nucleotide variant.
Coding change: c.2427+1001A>G on transcript NM_000293.3 (MANE Select); 1001 bases into the intron after coding-DNA position 2427, A replaced by G.
Molecular consequence: intron variant. On other transcripts: missense variant (2).
Genome position (GRCh38, 1-based): chr16:47,665,976, A>G. VCF-style: chr16-47665976-A-G. GRCh37 (hg19) VCF-style: chr16-47699887-A-G.
Other names: c.2350A>G, p.Lys784Glu (NM_001031835.3); c.2371A>G, p.Lys791Glu (NM_001363837.1); short protein forms K784E, K791E.
Identifiers: ClinVar variation 2431867 (VCV002431867.1), dbSNP rs2506626444, ClinGen allele CA395790240.